The following is an entry in ClinVar:

ClinVar aggregate classification (germline): Uncertain significance (1 of 4 stars; one submission).

Conditions:
Neuropathy, hereditary sensory and autonomic, type 2A (HSAN2A). Also called: ACROOSTEOLYSIS, GIACCAI TYPE; ACROOSTEOLYSIS, NEUROGENIC; MORVAN DISEASE; NEUROPATHY, CONGENITAL SENSORY; NEUROPATHY, HEREDITARY SENSORY RADICULAR, AUTOSOMAL RECESSIVE; NEUROPATHY, HEREDITARY SENSORY, TYPE IIA. Identifiers: Orphanet 970, MedGen C2752089, MONDO:0024309, OMIM 201300.
Generalized epilepsy with febrile seizures plus, type 7 (GEFSP7). Also called: GEFS+, TYPE 7. Identifiers: Orphanet 36387, MedGen C2751778, MONDO:0013470, OMIM 613863.

Submission:

Labcorp Genetics (formerly Invitae), Labcorp
Classification: Uncertain significance for Neuropathy, hereditary sensory and autonomic, type 2A; Generalized epilepsy with febrile seizures plus, type 7. Last evaluated: 2023-06-18. Review status: criteria provided, single submitter. Criteria: Invitae Variant Classification Sherloc (09022015). Collection method: clinical testing. Allele origin: germline.
Comment: This sequence change replaces glycine, which is neutral and non-polar, with glutamic acid, which is acidic and polar, at codon 64 of the SCN9A protein (p.Gly64Glu). In summary, the available evidence is currently insufficient to determine the role of this variant in disease. Therefore, it has been classified as a Variant of Uncertain Significance. This variant is not present in population databases (gnomAD no frequency). This variant has not been reported in the literature in individuals affected with SCN9A-related conditions. Advanced modeling of protein sequence and biophysical properties (such as structural, functional, and spatial information, amino acid conservation, physicochemical variation, residue mobility, and thermodynamic stability) performed at Invitae indicates that this missense variant is not expected to disrupt SCN9A protein function.

NM_001365536.1(SCN9A):c.191G>A (p.Gly64Glu)

Gene: SCN9A (sodium voltage-gated channel alpha subunit 9; minus strand). Cytogenetic location: 2q24.3.
Variant type: single nucleotide variant.
Coding change: c.191G>A on transcript NM_001365536.1 (MANE Select); coding-DNA position 191, G replaced by A.
Protein change: p.Gly64Glu; replaces glycine 64 with glutamic acid.
Molecular consequence: missense variant.
Genome position (GRCh38, 1-based): chr2:166,311,566, C>T on the plus strand (G>A on the coding strand, the complement: SCN9A is on the minus strand). VCF-style: chr2-166311566-C-T. GRCh37 (hg19) VCF-style: chr2-167168076-C-T.
Other names: c.191G>A, p.Gly64Glu (NM_002977.4); short protein forms G64E.
Identifiers: ClinVar variation 2939627 (VCV002939627.3), dbSNP rs558889724, ClinGen allele CA349095908.
Genomic context (GRCh38, chr2:166,311,566, plus strand): 5'-TCTGCATAGTAGGGGTCCAAGTCCTCCAGGGGCTCTGACACCATGCCGGGAGGAATGTCC[C>T]CATAGATGAAGGGCAGCTGTTTGCCAGCTTCCAAGTCACTGCTTGGCTTTGGGGCTTCTT-3'
Protein context (NP_001352465.1, residues 54-74): EAGKQLPFIY[Gly64Glu]DIPPGMVSEP